The following is an entry in ClinVar:

NM_002860.4(ALDH18A1):c.1172A>G (p.His391Arg)

Gene: ALDH18A1 (aldehyde dehydrogenase 18 family member A1; minus strand). Cytogenetic location: 10q24.1.
Variant type: single nucleotide variant.
Coding change: c.1172A>G on transcript NM_002860.4 (MANE Select); coding-DNA position 1172, A replaced by G.
Protein change: p.His391Arg; replaces histidine 391 with arginine.
Molecular consequence: missense variant.
Genome position (GRCh38, 1-based): chr10:95,625,436, T>C on the plus strand (A>G on the coding strand, the complement: ALDH18A1 is on the minus strand). VCF-style: chr10-95625436-T-C. GRCh37 (hg19) VCF-style: chr10-97385193-T-C.
Other names: c.1166A>G, p.His389Arg (NM_001017423.2, NM_001323415.2); c.839A>G, p.His280Arg (NM_001323412.2, NM_001323416.2); c.1172A>G, p.His391Arg (NM_001323413.2, NM_001323414.2); c.1067A>G, p.His356Arg (NM_001323417.2); c.833A>G, p.His278Arg (NM_001323418.2); c.536A>G, p.His179Arg (NM_001323419.2); short protein forms H179R, H278R, H280R, H356R, H389R, H391R.
Identifiers: ClinVar variation 1308943 (VCV001308943.9), dbSNP rs774081826, ClinGen allele CA5620398.

ClinVar aggregate classification (germline): Conflicting classifications of pathogenicity. Review status: criteria provided, conflicting classifications (1 of 4 stars). 3 submissions from 3 submitters: Uncertain significance (2); Likely benign (1). Last evaluated 2025-09-09.

Conditions:
Autosomal dominant spastic paraplegia type 9. Identifiers: MedGen C1832669, MONDO:0015091.
de Barsy syndrome. Also called: Cutis laxa-corneal clouding-oligophrenia syndrome. Identifiers: Orphanet 2962, MedGen C0268354, MONDO:0017569.
Cutis laxa, autosomal dominant 3 (ADCL3). Identifiers: Orphanet 90348, MedGen C4225268, MONDO:0014706, OMIM 616603.
Inborn genetic diseases. Identifiers: MedGen C0950123, MeSH D030342.

Allele frequency attached by ClinVar (database versions not stated): TOPMed 0.00002; gnomAD 0.00003; ExAC 0.00005; gnomAD exomes 0.00005.
gnomAD v4.1: 13 of 1,613,874 alleles (0.00081%); highest among the groups gnomAD compares: East Asian, 0.029%; no homozygotes.

Submissions (3):

Labcorp Genetics (formerly Invitae), Labcorp
Classification: Likely benign for Autosomal dominant spastic paraplegia type 9; de Barsy syndrome; Cutis laxa, autosomal dominant 3. Last evaluated: 2025-09-09. Review status: criteria provided, single submitter. Criteria: Invitae Variant Classification Sherloc (09022015). Collection method: clinical testing. Allele origin: germline.

Ambry Genetics
Classification: Uncertain significance for Inborn genetic diseases. Last evaluated: 2023-06-07. Review status: criteria provided, single submitter. Criteria: Ambry Variant Classification Scheme 2023. Collection method: clinical testing. Allele origin: germline.

GeneDx
Classification: Uncertain significance. Last evaluated: 2019-09-27. Review status: criteria provided, single submitter. Criteria: GeneDx Variant Classification Process June 2021. Collection method: clinical testing. Allele origin: germline. Affected: yes.
Comment: Has not been previously published as pathogenic or benign to our knowledge; In silico analysis, which includes protein predictors and evolutionary conservation, supports that this variant does not alter protein structure/function